The following is an entry in ClinVar:

NM_006031.6(PCNT):c.3007A>G (p.Lys1003Glu)

Gene: PCNT (pericentrin; plus strand). Cytogenetic location: 21q22.3.
Variant type: single nucleotide variant.
Coding change: c.3007A>G on transcript NM_006031.6 (MANE Select); coding-DNA position 3007, A replaced by G.
Protein change: p.Lys1003Glu; replaces lysine 1003 with glutamic acid.
Molecular consequence: missense variant.
Genome position (GRCh38, 1-based): chr21:46,366,981, A>G. VCF-style: chr21-46366981-A-G. GRCh37 (hg19) VCF-style: chr21-47786896-A-G.
Other names: c.2653A>G, p.Lys885Glu (NM_001315529.2); short protein forms K1003E, K885E.
Identifiers: ClinVar variation 3044202 (VCV003044202.2), dbSNP rs760624008, ClinGen allele CA10079146.
Genomic context (GRCh38, chr21:46,366,981, plus strand): 5'-CGTGAGGAGCACAGGCAGGCCCTAGAGCTCTTACGAGCAGACTTTGAGGAACAACTGTGG[A>G]AAAAGGACTCTCTTCACCAAACGATTTTGACTCAAGAGTTGGAGAAACTGAAGCGGAAAC-3'
Protein context (NP_006022.3, residues 993-1013): LRADFEEQLW[Lys1003Glu]KDSLHQTILT

ClinVar aggregate classification (germline): Uncertain significance (0 of 4 stars; one submission).

Conditions:
PCNT-related disorder. Also called: PCNT-related condition.

Allele frequency attached by ClinVar (database versions not stated): ExAC 0.00001; gnomAD exomes 0.00001.

Submission:

PreventionGenetics, part of Exact Sciences
Classification: Uncertain significance for PCNT-related condition. Last evaluated: 2024-01-03. Review status: no assertion criteria provided. Collection method: clinical testing. Allele origin: germline.
Comment: The PCNT c.3007A>G variant is predicted to result in the amino acid substitution p.Lys1003Glu. To our knowledge, this variant has not been reported in the literature. This variant is reported in 0.0065% of alleles in individuals of South Asian descent in gnomAD. At this time, the clinical significance of this variant is uncertain due to the absence of conclusive functional and genetic evidence.